The following is an entry in ClinVar:

ClinVar aggregate classification (germline): Uncertain significance (1 of 4 stars; one submission).

Allele frequency attached by ClinVar (database versions not stated): gnomAD exomes below 0.00001; TOPMed below 0.00001; ExAC 0.00001; gnomAD 0.00001.
gnomAD v4.1: 8 of 1,614,050 alleles (0.0005%); highest among the groups gnomAD compares: African/African-American, 0.0013%; no homozygotes.

Submission:

GeneDx
Classification: Uncertain significance. Last evaluated: 2022-12-16. Review status: criteria provided, single submitter. Criteria: GeneDx Variant Classification Process June 2021. Collection method: clinical testing. Allele origin: germline. Affected: yes.
Comment: Not observed at significant frequency in large population cohorts (gnomAD); In silico analysis supports that this missense variant has a deleterious effect on protein structure/function; Has not been previously published as pathogenic or benign to our knowledge

NM_014141.6(CNTNAP2):c.473A>G (p.Tyr158Cys)

Gene: CNTNAP2 (contactin associated protein 2; plus strand). Cytogenetic location: 7q35.
Variant type: single nucleotide variant.
Coding change: c.473A>G on transcript NM_014141.6 (MANE Select); coding-DNA position 473, A replaced by G.
Protein change: p.Tyr158Cys; replaces tyrosine 158 with cysteine.
Molecular consequence: missense variant.
Genome position (GRCh38, 1-based): chr7:147,043,977, A>G. VCF-style: chr7-147043977-A-G. GRCh37 (hg19) VCF-style: chr7-146741069-A-G.
Other names: short protein forms Y158C.
Identifiers: ClinVar variation 1723552 (VCV001723552.2), dbSNP rs770617588, ClinGen allele CA4545796.